The following is an entry in ClinVar:

NM_002397.5(MEF2C):c.728del (p.Pro243fs)

Gene: MEF2C (myocyte enhancer factor 2C; minus strand). Cytogenetic location: 5q14.3.
Variant type: Deletion.
Coding change: c.728del on transcript NM_002397.5 (MANE Select); coding-DNA position 728, one base deleted (C; older notation c.728delC).
Protein change: p.Pro243fs; shifts the reading frame from proline 243.
Molecular consequence: frameshift variant.
Genome position (GRCh38, 1-based): chr5:88,731,811, G deleted on the plus strand (C on the coding strand, the reverse complement: MEF2C is on the minus strand); the first of 5 consecutive G bases (chr5:88,731,811-88,731,815); deleting any one gives the same sequence. VCF-style (leftmost placement, unchanged base first): chr5-88731810-TG-T. GRCh37 (hg19) VCF-style: chr5-88027627-TG-T.
Other names: c.722del, p.Pro241fs (NM_001131005.2, NM_001364343.2, NM_001364352.2); c.782del, p.Pro261fs (NM_001193347.1, NM_001364338.2); c.584del, p.Pro195fs (NM_001193348.1, NM_001193349.3, NM_001364332.2 and 3 more transcripts); c.728del, p.Pro243fs (NM_001193350.2, NM_001308002.3, NM_001363581.2 and 18 more transcripts); c.350del, p.Pro117fs (NM_001364353.2, NM_001364356.2); c.302del, p.Pro101fs (NM_001364357.2); short protein forms P261fs, P195fs, P101fs, P117fs, P241fs, P243fs.
Identifiers: ClinVar variation 817755 (VCV000817755.1), dbSNP rs1581392920, ClinGen allele CA915943448.

ClinVar aggregate classification (germline): Pathogenic (1 of 4 stars; one submission).

Submission:

GeneDx
Classification: Pathogenic. Last evaluated: 2018-08-03. Review status: criteria provided, single submitter. Criteria: GeneDx Variant Classification (06012015). Collection method: clinical testing. Allele origin: germline. Affected: yes.
Comment: The c.728delC pathogenic variant in the MEF2C gene causes a frameshift starting with codon Proline 243, changes this amino acid to a Glutamine residue and creates a premature Stop codon at position 2 of the new reading frame, denoted p.Pro243GlnfsX2. This pathogenic variant is predicted to cause loss of normal protein function either through protein truncation or nonsense-mediated mRNA decay. Furthermore, the c.728delC variant is not observed in large population cohorts (Lek et al., 2016).